The following is an entry in ClinVar:

NM_005228.5(EGFR):c.2448C>T (p.Asn816=)

Genes: EGFR (epidermal growth factor receptor; plus strand), EGFR-AS1 (EGFR antisense RNA 1; minus strand). Cytogenetic location: 7p11.2.
Variant type: single nucleotide variant.
Coding change: c.2448C>T on transcript NM_005228.5 (MANE Select); coding-DNA position 2448, C replaced by T.
Protein change: p.Asn816=; no amino-acid change (asparagine 816 retained).
Molecular consequence: synonymous variant. On other transcripts: non-coding transcript variant (1).
Genome position (GRCh38, 1-based): chr7:55,181,457, C>T. VCF-style: chr7-55181457-C-T. GRCh37 (hg19) VCF-style: chr7-55249150-C-T.
Other names: c.2448C>T (NM_005228.4); c.2313C>T, p.Asn771= (NM_001346897.2, NM_001346899.2); c.2448C>T, p.Asn816= (NM_001346898.2); c.2289C>T, p.Asn763= (NM_001346900.2); c.1647C>T, p.Asn549= (NM_001346941.2).
Identifiers: ClinVar variation 1157015 (VCV001157015.14), dbSNP rs544240809, ClinGen allele CA4266072.

ClinVar aggregate classification (germline): Conflicting classifications of pathogenicity. Review status: criteria provided, conflicting classifications (1 of 4 stars). 5 submissions from 5 submitters: Uncertain significance (1); Benign (1); Likely benign (2). 1 of the submissions does not count toward it. Last evaluated 2025-11-10.

Conditions:
EGFR-related lung cancer (EGFR). Identifiers: MedGen CN130014.
Lung cancer. Also called: Malignant tumor of lung; Lung cancer, somatic. Identifiers: MedGen C0242379, MONDO:0008903, OMIM 211980.
EGFR-related disorder. Also called: EGFR-related condition.
Hereditary cancer-predisposing syndrome. Also called: Hereditary neoplastic syndrome; Hereditary Cancer Syndrome; Tumor predisposition; Neoplastic Syndromes, Hereditary. Identifiers: Orphanet 140162, MedGen C0027672, MeSH D009386, MONDO:0015356.

Allele frequency attached by ClinVar (database versions not stated): gnomAD exomes below 0.00001 and 0.00001; ExAC 0.00001; TOPMed 0.00001; 1000 Genomes Project 30x 0.00016.

Submissions (5):

Labcorp Genetics (formerly Invitae), Labcorp
Classification: Likely benign for EGFR-related lung cancer. Last evaluated: 2025-11-10. Review status: criteria provided, single submitter. Criteria: Invitae Variant Classification Sherloc (09022015). Collection method: clinical testing. Allele origin: germline.

Myriad Genetics, Inc.
Classification: Benign for Lung cancer. Last evaluated: 2024-10-16. Review status: criteria provided, single submitter. Criteria: Myriad Autosomal Dominant, Autosomal Recessive and X-Linked Classification Criteria (2023). Collection method: clinical testing. Allele origin: unknown.
Comment: This variant is considered benign. This variant is a silent/synonymous amino acid change and it is not expected to impact splicing.

Ambry Genetics
Classification: Likely benign for Hereditary cancer-predisposing syndrome. Last evaluated: 2024-04-04. Review status: criteria provided, single submitter. Criteria: Ambry Variant Classification Scheme 2023. Collection method: clinical testing. Allele origin: germline.

Sema4
Classification: Uncertain significance for Hereditary cancer-predisposing syndrome. Last evaluated: 2021-05-07. Review status: criteria provided, single submitter. Criteria: Sema4 Curation Guidelines. Collection method: curation. Allele origin: germline.
Comment: The EGFR c.2448C>T (p.N816=) variant has not been reported in the literature to our knowledge. It was observed in 1/113752 chromosomes in the Non-Finnish European subpopulation in the large and broad cohorts of the Genome Aggregation Database (PMID: 32461654). The variant has not been reported in ClinVar. In silico tools suggest the variant may potentially have an impact on splicing, though these predictions have not been confirmed by functional studies. The evidence is insufficient to meet ACMG/AMP criteria for classifying the variant as benign or pathogenic. Thus, the clinical significance of this variant is currently uncertain.

PreventionGenetics, part of Exact Sciences
Classification: Likely benign for EGFR-related condition. Last evaluated: 2024-06-12. Review status: no assertion criteria provided. Collection method: clinical testing. Allele origin: germline. Not counted in ClinVar's aggregate classification.
Comment: This variant is classified as likely benign based on ACMG/AMP sequence variant interpretation guidelines (Richards et al. 2015 PMID: 25741868, with internal and published modifications).